The following is an entry in ClinVar:

NM_022168.4(IFIH1):c.1766C>A (p.Ala589Asp)

Gene: IFIH1 (interferon induced with helicase C domain 1; minus strand). Cytogenetic location: 2q24.2.
Variant type: single nucleotide variant.
Coding change: c.1766C>A on transcript NM_022168.4 (MANE Select); coding-DNA position 1766, C replaced by A.
Protein change: p.Ala589Asp; replaces alanine 589 with aspartic acid.
Molecular consequence: missense variant.
Genome position (GRCh38, 1-based): chr2:162,277,693, G>T on the plus strand (C>A on the coding strand, the complement: IFIH1 is on the minus strand). VCF-style: chr2-162277693-G-T. GRCh37 (hg19) VCF-style: chr2-163134203-G-T.
Other names: short protein forms A589D.
Identifiers: ClinVar variation 767037 (VCV000767037.13), dbSNP rs145792185, ClinGen allele CA1934396.

ClinVar aggregate classification (germline): Likely benign. Review status: criteria provided, single submitter (1 of 4 stars). 2 submissions from 2 submitters: Likely benign (1). 1 of the submissions does not count toward it. Last evaluated 2026-01-17.

Conditions:
IFIH1-related disorder. Also called: IFIH1-related condition.
Aicardi-Goutieres syndrome 7 (AGS7). Identifiers: Orphanet 51, MedGen C3888244, MONDO:0014367, OMIM 615846.
Singleton-Merten syndrome 1 (SGMRT1). Also called: Widened medullary cavities of bone, aortic calcification, abnormal dentition, and muscular weakness; Syndrome of widened medullary cavities of the metacarpals and phalanges, aortic calcification and abnormal dentition. Identifiers: Orphanet 85191, MedGen C4225427, MONDO:0024535, OMIM 182250.

Allele frequency attached by ClinVar (database versions not stated): 1000 Genomes Project 0.00020; ESP Exome Variant Server 0.00062; ExAC 0.00012; 1000 Genomes Project 30x 0.00016; TOPMed 0.00066.
gnomAD v4.1: 121 of 1,599,314 alleles (0.0076%); highest among the groups gnomAD compares: African/African-American, 0.15%; no homozygotes.

Submissions (2):

Labcorp Genetics (formerly Invitae), Labcorp
Classification: Likely benign for Aicardi-Goutieres syndrome 7; Singleton-Merten syndrome 1. Last evaluated: 2026-01-17. Review status: criteria provided, single submitter. Criteria: Invitae Variant Classification Sherloc (09022015). Collection method: clinical testing. Allele origin: germline.

PreventionGenetics, part of Exact Sciences
Classification: Likely benign for IFIH1-related condition. Last evaluated: 2023-06-06. Review status: no assertion criteria provided. Collection method: clinical testing. Allele origin: germline. Not counted in ClinVar's aggregate classification.
Comment: This variant is classified as likely benign based on ACMG/AMP sequence variant interpretation guidelines (Richards et al. 2015 PMID: 25741868, with internal and published modifications).